The following is an entry in ClinVar:

ClinVar aggregate classification (germline): Pathogenic/Likely pathogenic. Review status: criteria provided, multiple submitters, no conflicts (2 of 4 stars). 3 submissions from 3 submitters: Pathogenic (1); Likely pathogenic (1). 1 of the submissions does not count toward it. Last evaluated 2024-04-04.

Conditions:
Neuronopathy, distal hereditary motor, type 2B. Also called: HMN IIB; NEURONOPATHY, DISTAL HEREDITARY MOTOR, AUTOSOMAL DOMINANT 3; NEURONOPATHY, DISTAL HEREDITARY MOTOR, HARDING TYPE IIB; NEUROPATHY, DISTAL HEREDITARY MOTOR, HARDING TYPE IIB. Identifiers: Orphanet 139525, MedGen C2608087, MONDO:0012080, OMIM 608634.
Charcot-Marie-Tooth disease. Also called: Charcot-Marie-Tooth Hereditary Neuropathy; Charcot-Marie-Tooth Neuropathy. Identifiers: Orphanet 166, MedGen C0007959, MONDO:0015626.
Charcot-Marie-Tooth disease axonal type 2F (CMT2F). Also called: CHARCOT-MARIE-TOOTH DISEASE, NEURONAL, TYPE 2F; Charcot-Marie-Tooth Neuropathy Type 2F. Identifiers: Orphanet 99940, MedGen C1847823, MONDO:0011687, OMIM 606595.

Submissions (3):

Genomic Medicine Center of Excellence, King Faisal Specialist Hospital and Research Centre
Classification: Pathogenic for Charcot-Marie-Tooth disease axonal type 2F. Last evaluated: 2024-04-04. Review status: criteria provided, single submitter. Criteria: ACMG Guidelines, 2015. Collection method: clinical testing. Allele origin: germline.

Baylor Genetics
Classification: Likely pathogenic for Neuronopathy, distal hereditary motor, type 2B. Last evaluated: 2020-05-15. Review status: criteria provided, single submitter. Criteria: ACMG Guidelines, 2015. Collection method: clinical testing. Allele origin: unknown. Affected: yes.
Comment: This variant was determined to be likely pathogenic according to ACMG Guidelines, 2015 [PMID:25741868].

Inherited Neuropathy Consortium
Classification: Uncertain significance for Charcot-Marie-Tooth disease. Review status: no assertion criteria provided. Collection method: literature only. Allele origin: germline. Affected: yes. Not counted in ClinVar's aggregate classification.

Literature cited by the submitters: PubMed 21149811 (cited by Inherited Neuropathy Consortium).

NM_001540.5(HSPB1):c.404C>G (p.Ser135Cys)

Gene: HSPB1 (heat shock protein family B (small) member 1; plus strand). Cytogenetic location: 7q11.23.
Variant type: single nucleotide variant.
Coding change: c.404C>G on transcript NM_001540.5 (MANE Select); coding-DNA position 404, C replaced by G.
Protein change: p.Ser135Cys; replaces serine 135 with cysteine.
Molecular consequence: missense variant.
Genome position (GRCh38, 1-based): chr7:76,303,841, C>G. VCF-style: chr7-76303841-C-G. GRCh37 (hg19) VCF-style: chr7-75933158-C-G.
Other names: c.404C>G (LRG_248t1); short protein forms S135C.
Identifiers: ClinVar variation 637060 (VCV000637060.3), dbSNP rs28939680, ClinGen allele CA367765476.